The following is an entry in ClinVar:

NM_001005337.3(PKP1):c.2050C>T (p.Arg684Trp)

Gene: PKP1 (plakophilin 1; plus strand). Cytogenetic location: 1q32.1.
Variant type: single nucleotide variant.
Coding change: c.2050C>T on transcript NM_001005337.3 (MANE Select); coding-DNA position 2050, C replaced by T.
Protein change: p.Arg684Trp; replaces arginine 684 with tryptophan.
Molecular consequence: missense variant.
Genome position (GRCh38, 1-based): chr1:201,325,782, C>T. VCF-style: chr1-201325782-C-T. GRCh37 (hg19) VCF-style: chr1-201294910-C-T.
Other names: c.2113C>T, p.Arg705Trp (NM_000299.4); short protein forms R684W, R705W.
Identifiers: ClinVar variation 294829 (VCV000294829.13), dbSNP rs61818256, ClinGen allele CA1324697.

ClinVar aggregate classification (germline): Benign. Review status: criteria provided, multiple submitters, no conflicts (2 of 4 stars). 3 submissions from 3 submitters: Benign (3). Last evaluated 2026-01-27.

Conditions:
Epidermolysis bullosa simplex due to plakophilin deficiency. Also called: MCGRATH SYNDROME. Identifiers: Orphanet 158668, MedGen C1858302, MONDO:0011472, OMIM 604536.

Allele frequency attached by ClinVar (database versions not stated): 1000 Genomes Project 30x 0.00547; 1000 Genomes Project 0.00559; TOPMed 0.01223; gnomAD exomes 0.01373 and 0.01563; ExAC 0.01379; gnomAD 0.01452 and 0.01492; ESP Exome Variant Server 0.01453.
gnomAD v4.1: 24,900 of 1,613,928 alleles (1.5%); highest among the groups gnomAD compares: Non-Finnish European, 1.7%; 226 homozygotes.

Submissions (3):

Labcorp Genetics (formerly Invitae), Labcorp
Classification: Benign. Last evaluated: 2026-01-27. Review status: criteria provided, single submitter. Criteria: Invitae Variant Classification Sherloc (09022015). Collection method: clinical testing. Allele origin: germline.

Illumina Laboratory Services, Illumina
Classification: Benign for Epidermolysis bullosa simplex due to plakophilin deficiency. Last evaluated: 2018-01-12. Review status: criteria provided, single submitter. Criteria: ICSL Variant Classification Criteria 13 December 2019. Collection method: clinical testing. Allele origin: germline.
Comment: This variant was observed in the ICSL laboratory as part of a predisposition screen in an ostensibly healthy population. It had not been previously curated by ICSL or reported in the Human Gene Mutation Database (HGMD: prior to June 1st, 2018), and was therefore a candidate for classification through an automated scoring system. Utilizing variant allele frequency, disease prevalence and penetrance estimates, and inheritance mode, an automated score was calculated to assess if this variant is too frequent to cause the disease. Based on the score and internal cut-off values, a variant classified as benign is not then subjected to further curation. The score for this variant resulted in a classification of benign for this disease.

Breakthrough Genomics
Classification: Benign. Review status: criteria provided, single submitter. Criteria: ACMG Guidelines, 2015. Collection method: not provided. Allele origin: germline. Inheritance: Autosomal recessive inheritance. Affected: yes.